The following is an entry in ClinVar:

ClinVar aggregate classification (germline): Uncertain significance. Review status: criteria provided, multiple submitters, no conflicts (2 of 4 stars). 2 submissions from 2 submitters: Uncertain significance (2). Last evaluated 2025-04-14.

Conditions:
Familial meningioma. Also called: Meningioma, familial, susceptibility to. Identifiers: Orphanet 263662, MedGen C3551915, MONDO:0011789, OMIM 607174.
Hereditary cancer-predisposing syndrome. Also called: Hereditary Cancer Syndrome; Tumor predisposition; Hereditary neoplastic syndrome; Neoplastic Syndromes, Hereditary. Identifiers: Orphanet 140162, MedGen C0027672, MeSH D009386, MONDO:0015356.

Submissions (2):

Labcorp Genetics (formerly Invitae), Labcorp
Classification: Uncertain significance for Familial meningioma. Last evaluated: 2025-04-14. Review status: criteria provided, single submitter. Criteria: Invitae Variant Classification Sherloc (09022015). Collection method: clinical testing. Allele origin: germline.
Comment: This sequence change replaces threonine, which is neutral and polar, with arginine, which is basic and polar, at codon 350 of the SMARCE1 protein (p.Thr350Arg). This variant is not present in population databases (gnomAD no frequency). This variant has not been reported in the literature in individuals affected with SMARCE1-related conditions. ClinVar contains an entry for this variant (Variation ID: 2188334). Invitae Evidence Modeling of protein sequence and biophysical properties (such as structural, functional, and spatial information, amino acid conservation, physicochemical variation, residue mobility, and thermodynamic stability) indicates that this missense variant is not expected to disrupt SMARCE1 protein function with a negative predictive value of 80%. In summary, the available evidence is currently insufficient to determine the role of this variant in disease. Therefore, it has been classified as a Variant of Uncertain Significance.

Ambry Genetics
Classification: Uncertain significance for Hereditary cancer-predisposing syndrome. Last evaluated: 2025-02-19. Review status: criteria provided, single submitter. Criteria: Ambry Variant Classification Scheme 2023. Collection method: clinical testing. Allele origin: germline.
Comment: The p.T350R variant (also known as c.1049C>G), located in coding exon 10 of the SMARCE1 gene, results from a C to G substitution at nucleotide position 1049. The threonine at codon 350 is replaced by arginine, an amino acid with similar properties. This amino acid position is conserved. In addition, this alteration is predicted to be tolerated by in silico analysis. Based on the available evidence, the clinical significance of this variant remains unclear.

NM_003079.5(SMARCE1):c.1049C>G (p.Thr350Arg)

Gene: SMARCE1 (SWI/SNF related BAF chromatin remodeling complex subunit E1; minus strand). Cytogenetic location: 17q21.2.
Variant type: single nucleotide variant.
Coding change: c.1049C>G on transcript NM_003079.5 (MANE Select); coding-DNA position 1049, C replaced by G.
Protein change: p.Thr350Arg; replaces threonine 350 with arginine.
Molecular consequence: missense variant.
Genome position (GRCh38, 1-based): chr17:40,628,972, G>C on the plus strand (C>G on the coding strand, the complement: SMARCE1 is on the minus strand). VCF-style: chr17-40628972-G-C. GRCh37 (hg19) VCF-style: chr17-38785224-G-C.
Other names: short protein forms T350R.
Identifiers: ClinVar variation 2188334 (VCV002188334.5), dbSNP rs2037063038, ClinGen allele CA399361740.